The following is an entry in ClinVar:

ClinVar aggregate classification (germline): Uncertain significance. Review status: criteria provided, multiple submitters, no conflicts (2 of 4 stars). 2 submissions from 2 submitters: Uncertain significance (2). Last evaluated 2024-02-08.

Conditions:
Usher syndrome type 3B. Also called: USHER SYNDROME, TYPE IIIB. Identifiers: MedGen C3281066, MONDO:0013788, OMIM 614504.

Allele frequency attached by ClinVar (database versions not stated): gnomAD exomes below 0.00001.

Submissions (2):

Labcorp Genetics (formerly Invitae), Labcorp
Classification: Uncertain significance for Usher syndrome type 3B. Last evaluated: 2024-02-08. Review status: criteria provided, single submitter. Criteria: Invitae Variant Classification Sherloc (09022015). Collection method: clinical testing. Allele origin: germline.
Comment: This sequence change replaces leucine, which is neutral and non-polar, with valine, which is neutral and non-polar, at codon 420 of the HARS protein (p.Leu420Val). This variant is not present in population databases (gnomAD no frequency). This variant has not been reported in the literature in individuals affected with HARS-related conditions. ClinVar contains an entry for this variant (Variation ID: 2574432). Advanced modeling of protein sequence and biophysical properties (such as structural, functional, and spatial information, amino acid conservation, physicochemical variation, residue mobility, and thermodynamic stability) performed at Invitae indicates that this missense variant is not expected to disrupt HARS protein function with a negative predictive value of 80%. In summary, the available evidence is currently insufficient to determine the role of this variant in disease. Therefore, it has been classified as a Variant of Uncertain Significance.

GeneDx
Classification: Uncertain significance. Last evaluated: 2023-01-26. Review status: criteria provided, single submitter. Criteria: GeneDx Variant Classification Process June 2021. Collection method: clinical testing. Allele origin: germline. Affected: yes.
Comment: Not observed at significant frequency in large population cohorts (gnomAD); In silico analysis supports that this missense variant does not alter protein structure/function; In silico analysis suggests this variant may impact gene splicing. In the absence of RNA/functional studies, the actual effect of this sequence change is unknown.; Has not been previously published as pathogenic or benign to our knowledge

NM_002109.6(HARS1):c.1258C>G (p.Leu420Val)

Gene: HARS1 (histidyl-tRNA synthetase 1; minus strand). Cytogenetic location: 5q31.3.
Variant type: single nucleotide variant.
Coding change: c.1258C>G on transcript NM_002109.6 (MANE Select); coding-DNA position 1258, C replaced by G.
Protein change: p.Leu420Val; replaces leucine 420 with valine.
Molecular consequence: missense variant.
Genome position (GRCh38, 1-based): chr5:140,675,070, G>C on the plus strand (C>G on the coding strand, the complement: HARS1 is on the minus strand). VCF-style: chr5-140675070-G-C. GRCh37 (hg19) VCF-style: chr5-140054655-G-C.
Other names: c.1138C>G, p.Leu380Val (NM_001258040.3); c.1198C>G, p.Leu400Val (NM_001258041.3); c.1078C>G, p.Leu360Val (NM_001258042.3); c.1036C>G, p.Leu346Val (NM_001289092.2); c.916C>G, p.Leu306Val (NM_001289093.2); c.1171C>G, p.Leu391Val (NM_001289094.2); short protein forms L306V, L346V, L360V, L380V, L391V, L400V, L420V.
Identifiers: ClinVar variation 2574432 (VCV002574432.3), dbSNP rs2481235793, ClinGen allele CA361248464.